The following is an entry in ClinVar:

ClinVar aggregate classification (germline): Uncertain significance. Review status: criteria provided, multiple submitters, no conflicts (2 of 4 stars). 3 submissions from 3 submitters: Uncertain significance (3). Last evaluated 2026-01-27.

Allele frequency attached by ClinVar (database versions not stated): gnomAD exomes 0.00002 and 0.00003; TOPMed 0.00002; gnomAD 0.00003 and 0.00004; ExAC 0.00005.
gnomAD v4.1: 44 of 1,326,648 alleles (0.0033%); highest among the groups gnomAD compares: South Asian, 0.0086%; no homozygotes.

Submissions (3):

Labcorp Genetics (formerly Invitae), Labcorp
Classification: Uncertain significance. Last evaluated: 2026-01-27. Review status: criteria provided, single submitter. Criteria: Invitae Variant Classification Sherloc (09022015). Collection method: clinical testing. Allele origin: germline.
Comment: This sequence change replaces arginine, which is basic and polar, with glutamine, which is neutral and polar, at codon 546 of the COL9A2 protein (p.Arg546Gln). The frequency data for this variant in the population databases is considered unreliable, as metrics indicate poor data quality at this position in the gnomAD database. This variant has not been reported in the literature in individuals affected with COL9A2-related conditions. ClinVar contains an entry for this variant (Variation ID: 1470466). Invitae Evidence Modeling of protein sequence and biophysical properties (such as structural, functional, and spatial information, amino acid conservation, physicochemical variation, residue mobility, and thermodynamic stability) indicates that this missense variant is not expected to disrupt COL9A2 protein function with a negative predictive value of 95%. In summary, the available evidence is currently insufficient to determine the role of this variant in disease. Therefore, it has been classified as a Variant of Uncertain Significance.

Blueprint Genetics
Classification: Uncertain significance. Last evaluated: 2024-10-09. Review status: criteria provided, single submitter. Criteria: ACMG Guidelines, 2015. Collection method: clinical testing. Allele origin: germline.

GeneDx
Classification: Uncertain significance. Last evaluated: 2022-07-28. Review status: criteria provided, single submitter. Criteria: GeneDx Variant Classification Process June 2021. Collection method: clinical testing. Allele origin: germline. Affected: yes.
Comment: Not observed at significant frequency in large population cohorts (gnomAD); In silico analysis supports that this missense variant does not alter protein structure/function; Has not been previously published as pathogenic or benign to our knowledge

NM_001852.4(COL9A2):c.1637G>A (p.Arg546Gln)

Gene: COL9A2 (collagen type IX alpha 2 chain; minus strand). Cytogenetic location: 1p34.2.
Variant type: single nucleotide variant.
Coding change: c.1637G>A on transcript NM_001852.4 (MANE Select); coding-DNA position 1637, G replaced by A.
Protein change: p.Arg546Gln; replaces arginine 546 with glutamine.
Molecular consequence: missense variant.
Genome position (GRCh38, 1-based): chr1:40,302,776, C>T on the plus strand (G>A on the coding strand, the complement: COL9A2 is on the minus strand). VCF-style: chr1-40302776-C-T. GRCh37 (hg19) VCF-style: chr1-40768448-C-T.
Other names: c.1637G>A (NM_001852.3); short protein forms R546Q.
Identifiers: ClinVar variation 1470466 (VCV001470466.8), dbSNP rs754945201, ClinGen allele CA791359.